The following is an entry in ClinVar:

ClinVar aggregate classification (germline): Pathogenic (1 of 4 stars; one submission).

Conditions:
3-methylcrotonyl-CoA carboxylase 1 deficiency (MCC1D). Also called: MCCD TYPE 1; METHYLCROTONYLGLYCINURIA TYPE I; MCC 1 deficiency; 3 Alpha methylcrotonylglycinuria 1. Identifiers: Orphanet 6, MedGen CN028786, MONDO:0008861, OMIM 210200.

Submission:

Labcorp Genetics (formerly Invitae), Labcorp
Classification: Pathogenic for 3-methylcrotonyl-CoA carboxylase 1 deficiency. Last evaluated: 2022-07-28. Review status: criteria provided, single submitter. Criteria: Invitae Variant Classification Sherloc (09022015). Collection method: clinical testing. Allele origin: germline.
Comment: For these reasons, this variant has been classified as Pathogenic. This variant has not been reported in the literature in individuals affected with MCCC1-related conditions. This variant is a gross deletion of the genomic region encompassing exon(s) 1 of the MCCC1 gene, which includes the initiator codon. This deletion extends beyond the assayed region for this gene and therefore may encompass additional genes. It is expected to result in an absent or disrupted protein product. Loss-of-function variants in MCCC1 are known to be pathogenic (PMID: 11181649, 15359379, 22642865).

Literature cited by the submitters: PubMed 11181649; PubMed 15359379; PubMed 22642865.

NC_000003.11:g.(?_182817140)_(182817228_?)del

Gene: MCCC1 (methylcrotonyl-CoA carboxylase subunit 1; minus strand). Cytogenetic location: 3q27.1.
Variant type: Deletion.
Identifiers: ClinVar variation 1069008 (VCV001069008.6).